The following is an entry in ClinVar:

NM_000260.4(MYO7A):c.1798-10G>A

Gene: MYO7A (myosin VIIA; plus strand). Cytogenetic location: 11q13.5.
Variant type: single nucleotide variant.
Coding change: c.1798-10G>A on transcript NM_000260.4 (MANE Select); 10 bases into the intron before coding-DNA position 1798, G replaced by A.
Molecular consequence: intron variant.
Genome position (GRCh38, 1-based): chr11:77,172,738, G>A. VCF-style: chr11-77172738-G-A. GRCh37 (hg19) VCF-style: chr11-76883784-G-A.
Other names: c.1765-10G>A (NM_001369365.1); c.1798-10G>A (NM_001127180.2, NM_000260.3).
Identifiers: ClinVar variation 1083189 (VCV001083189.11), dbSNP rs782819675, ClinGen allele CA6197614.

ClinVar aggregate classification (germline): Likely benign. Review status: criteria provided, multiple submitters, no conflicts (2 of 4 stars). 3 submissions from 3 submitters: Likely benign (3). Last evaluated 2025-09-09.

Conditions:
MYO7A-related disorder. Also called: MYO7A-related disorders.

Allele frequency attached by ClinVar (database versions not stated): TOPMed 0.00006; gnomAD exomes 0.00008 and 0.00009; gnomAD 0.00009 and 0.00011; ExAC 0.00017.
gnomAD v4.1: 126 of 1,552,590 alleles (0.0081%); highest among the groups gnomAD compares: South Asian, 0.031%; no homozygotes.

Submissions (3):

PreventionGenetics, part of Exact Sciences
Classification: Likely benign for MYO7A-related condition. Last evaluated: 2025-09-09. Review status: criteria provided, single submitter. Criteria: ACMG Guidelines, 2015. Collection method: clinical testing. Allele origin: germline.
Comment: This variant is classified as likely benign based on ACMG/AMP sequence variant interpretation guidelines (Richards et al. 2015 PMID: 25741868, with internal and published modifications).

Blueprint Genetics
Classification: Likely benign. Last evaluated: 2024-10-31. Review status: criteria provided, single submitter. Criteria: ACMG Guidelines, 2015. Collection method: clinical testing. Allele origin: germline.

Labcorp Genetics (formerly Invitae), Labcorp
Classification: Likely benign. Last evaluated: 2024-10-23. Review status: criteria provided, single submitter. Criteria: Invitae Variant Classification Sherloc (09022015). Collection method: clinical testing. Allele origin: germline.